The following is an entry in ClinVar:

NM_003737.4(DCHS1):c.6022CCT[1] (p.Pro2009del)

Gene: DCHS1 (dachsous cadherin-related 1; minus strand). Cytogenetic location: 11p15.4.
Variant type: Microsatellite.
Coding change: c.6022CCT[1] on transcript NM_003737.4 (MANE Select); one copy of the 3-base unit CCT starting at c.6022; the reference has two copies in a row; one copy, 3 bases deleted.
Protein change: p.Pro2009del; deletes proline 2009.
Molecular consequence: inframe deletion.
Genome position (GRCh38, 1-based): chr11:6,627,012-6,627,014, AGG deleted on the plus strand (CCT on the coding strand, the reverse complement: DCHS1 is on the minus strand); deleting any 3 consecutive bases within chr11:6,627,012-6,627,017 gives the same sequence; the position shown is the placement nearest the transcript's 3' end. VCF-style (leftmost placement, unchanged base first): chr11-6627011-CAGG-C. GRCh37 (hg19) VCF-style: chr11-6648242-CAGG-C.
Other names: short protein forms P2009del.
Identifiers: ClinVar variation 4693853 (VCV004693853.1).

ClinVar aggregate classification (germline): Uncertain significance (1 of 4 stars; one submission).

Submission:

Labcorp Genetics (formerly Invitae), Labcorp
Classification: Uncertain significance. Last evaluated: 2025-11-18. Review status: criteria provided, single submitter. Criteria: Invitae Variant Classification Sherloc (09022015). Collection method: clinical testing. Allele origin: germline.
Comment: This variant, c.6025_6027del, results in the deletion of 1 amino acid(s) of the DCHS1 protein (p.Pro2009del), but otherwise preserves the integrity of the reading frame. This variant is not present in population databases (gnomAD no frequency). This variant has not been reported in the literature in individuals affected with DCHS1-related conditions. Experimental studies and prediction algorithms are not available or were not evaluated, and the functional significance of this variant is currently unknown. In summary, the available evidence is currently insufficient to determine the role of this variant in disease. Therefore, it has been classified as a Variant of Uncertain Significance.